The following is an entry in ClinVar:

ClinVar aggregate classification (germline): Uncertain significance. Review status: criteria provided, multiple submitters, no conflicts (2 of 4 stars). 2 submissions from 2 submitters: Uncertain significance (2). Last evaluated 2024-05-02.

Conditions:
Fanconi anemia (FA). Also called: Fanconi's anemia. Identifiers: Orphanet 84, MedGen C0015625, MeSH D005199, MONDO:0019391.

Allele frequency attached by ClinVar (database versions not stated): gnomAD exomes below 0.00001.
gnomAD v4.1: 2 of 1,613,964 alleles (0.00012%); highest among the groups gnomAD compares: Middle Eastern, 0.017%; no homozygotes.

Submissions (2):

Blueprint Genetics
Classification: Uncertain significance. Last evaluated: 2024-05-02. Review status: criteria provided, single submitter. Criteria: ACMG Guidelines, 2015. Collection method: clinical testing. Allele origin: germline.

Labcorp Genetics (formerly Invitae), Labcorp
Classification: Uncertain significance for Fanconi anemia. Last evaluated: 2022-08-29. Review status: criteria provided, single submitter. Criteria: Invitae Variant Classification Sherloc (09022015). Collection method: clinical testing. Allele origin: germline.
Comment: This sequence change replaces leucine, which is neutral and non-polar, with phenylalanine, which is neutral and non-polar, at codon 445 of the FANCI protein (p.Leu445Phe). This variant is not present in population databases (gnomAD no frequency). This variant has not been reported in the literature in individuals affected with FANCI-related conditions. ClinVar contains an entry for this variant (Variation ID: 1428714). Algorithms developed to predict the effect of missense changes on protein structure and function output the following: SIFT: "Tolerated"; PolyPhen-2: "Benign"; Align-GVGD: "Class C0". The phenylalanine amino acid residue is found in multiple mammalian species, which suggests that this missense change does not adversely affect protein function. In summary, the available evidence is currently insufficient to determine the role of this variant in disease. Therefore, it has been classified as a Variant of Uncertain Significance.

NM_001113378.2(FANCI):c.1333C>T (p.Leu445Phe)

Gene: FANCI (FA complementation group I; plus strand). Cytogenetic location: 15q26.1.
Variant type: single nucleotide variant.
Coding change: c.1333C>T on transcript NM_001113378.2 (MANE Select); coding-DNA position 1333, C replaced by T.
Protein change: p.Leu445Phe; replaces leucine 445 with phenylalanine.
Molecular consequence: missense variant.
Genome position (GRCh38, 1-based): chr15:89,278,726, C>T. VCF-style: chr15-89278726-C-T. GRCh37 (hg19) VCF-style: chr15-89821957-C-T.
Other names: c.1054C>T, p.Leu352Phe (NM_001376910.1); c.1333C>T, p.Leu445Phe (NM_001376911.1, NM_018193.3); short protein forms L445F, L352F.
Identifiers: ClinVar variation 1428714 (VCV001428714.6), dbSNP rs2053498951, ClinGen allele CA393743226.
Genomic context (GRCh38, chr15:89,278,726, plus strand): 5'-TATTTATTCTGTTCTTTTTAGATCCATGAGATGATCAGACAAGAAATTTTGGAGCAGGTC[C>T]TCAACAGGGTTGTTACCAGAGCATCTTCTCCCATCAGTCATTTCTTAGGTATTCAACTTT-3'
Protein context (NP_001106849.1, residues 435-455): MIRQEILEQV[Leu445Phe]NRVVTRASSP